The following is an entry in ClinVar:

NM_013382.7(POMT2):c.7C>G (p.Pro3Ala)

Genes: POMT2 (protein O-mannosyltransferase 2; minus strand), LOC130056177 (ATAC-STARR-seq lymphoblastoid silent region 5970; plus strand). Cytogenetic location: 14q24.3.
Variant type: single nucleotide variant.
Coding change: c.7C>G on transcript NM_013382.7 (MANE Select); coding-DNA position 7, C replaced by G.
Protein change: p.Pro3Ala; replaces proline 3 with alanine.
Molecular consequence: missense variant.
Genome position (GRCh38, 1-based): chr14:77,320,675, G>C on the plus strand (C>G on the coding strand, the complement: POMT2 is on the minus strand). VCF-style: chr14-77320675-G-C. GRCh37 (hg19) VCF-style: chr14-77787018-G-C.
Other names: short protein forms P3A.
Identifiers: ClinVar variation 1500684 (VCV001500684.5), dbSNP rs1342953034, ClinGen allele CA390505061.

ClinVar aggregate classification (germline): Uncertain significance (1 of 4 stars; one submission).

Conditions:
Muscular dystrophy-dystroglycanopathy (congenital with impaired intellectual development), type B, 2. Also called: Muscular dystrophy-dystroglycanopathy (congenital with intellectual disability), type B2; MUSCULAR DYSTROPHY, CONGENITAL, POMT2-RELATED. Identifiers: MedGen C3150416, MONDO:0013160, OMIM 613156.
Autosomal recessive limb-girdle muscular dystrophy type 2N. Also called: MUSCULAR DYSTROPHY-DYSTROGLYCANOPATHY, LIMB-GIRDLE, POMT2-RELATED; Muscular dystrophy-dystroglycanopathy (limb-girdle), type C, 2. Identifiers: Orphanet 206559, MedGen C3150418, MONDO:0013162, OMIM 613158.
Muscular dystrophy-dystroglycanopathy (congenital with brain and eye anomalies), type A2. Also called: MUSCULAR DYSTROPHY-DYSTROGLYCANOPATHY (CONGENITAL WITH BRAIN AND EYE ANOMALIES), TYPE A, 2; WALKER-WARBURG SYNDROME OR MUSCLE-EYE-BRAIN DISEASE, POMT2-RELATED. Identifiers: Orphanet 588, Orphanet 899, MedGen C3150411, MONDO:0013154, OMIM 613150.

Allele frequency attached by ClinVar (database versions not stated): TOPMed 0.00001.

Submission:

Labcorp Genetics (formerly Invitae), Labcorp
Classification: Uncertain significance for Muscular dystrophy-dystroglycanopathy (congenital with impaired intellectual development), type B, 2; Muscular dystrophy-dystroglycanopathy (congenital with brain and eye anomalies), type A2; Autosomal recessive limb-girdle muscular dystrophy type 2N. Last evaluated: 2024-10-17. Review status: criteria provided, single submitter. Criteria: Invitae Variant Classification Sherloc (09022015). Collection method: clinical testing. Allele origin: germline.
Comment: This sequence change replaces proline, which is neutral and non-polar, with alanine, which is neutral and non-polar, at codon 3 of the POMT2 protein (p.Pro3Ala). This variant is not present in population databases (gnomAD no frequency). This variant has not been reported in the literature in individuals affected with POMT2-related conditions. ClinVar contains an entry for this variant (Variation ID: 1500684). An algorithm developed to predict the effect of missense changes on protein structure and function outputs the following: PolyPhen-2: "Benign". The alanine amino acid residue is found in multiple mammalian species, which suggests that this missense change does not adversely affect protein function. In summary, the available evidence is currently insufficient to determine the role of this variant in disease. Therefore, it has been classified as a Variant of Uncertain Significance.